The following is an entry in ClinVar:

NM_004260.4(RECQL4):c.3613C>T (p.Gln1205Ter)

Gene: RECQL4 (RecQ like helicase 4; minus strand). Cytogenetic location: 8q24.3.
Variant type: single nucleotide variant.
Coding change: c.3613C>T on transcript NM_004260.4 (MANE Select); coding-DNA position 3613, C replaced by T.
Protein change: p.Gln1205Ter; replaces glutamine 1205 with a stop codon.
Molecular consequence: nonsense.
Genome position (GRCh38, 1-based): chr8:144,511,445, G>A on the plus strand (C>T on the coding strand, the complement: RECQL4 is on the minus strand). VCF-style: chr8-144511445-G-A. GRCh37 (hg19) VCF-style: chr8-145736828-G-A.
Other names: short protein forms Q1205*.
Identifiers: ClinVar variation 857300 (VCV000857300.6), dbSNP rs748047415, ClinGen allele CA4947625.

ClinVar aggregate classification (germline): Uncertain significance (1 of 4 stars; one submission).

Conditions:
Baller-Gerold syndrome (BGS). Also called: CRANIOSYNOSTOSIS WITH RADIAL DEFECTS. Identifiers: Orphanet 1225, MedGen C0265308, MONDO:0009039, OMIM 218600.

Allele frequency attached by ClinVar (database versions not stated): gnomAD exomes 0.00002; ExAC 0.00004.
gnomAD v4.1: 14 of 1,612,470 alleles (0.00087%); highest among the groups gnomAD compares: South Asian, 0.0088%; no homozygotes.

Submission:

Labcorp Genetics (formerly Invitae), Labcorp
Classification: Uncertain significance for Baller-Gerold syndrome. Last evaluated: 2025-08-06. Review status: criteria provided, single submitter. Criteria: Invitae Variant Classification Sherloc (09022015). Collection method: clinical testing. Allele origin: germline.
Comment: This sequence change creates a premature translational stop signal (p.Gln1205*) in the RECQL4 gene. While this is not anticipated to result in nonsense mediated decay, it is expected to disrupt the last 4 amino acid(s) of the RECQL4 protein. This variant is present in population databases (rs748047415, gnomAD 0.006%). This variant has not been reported in the literature in individuals affected with RECQL4-related conditions. ClinVar contains an entry for this variant (Variation ID: 857300). Experimental studies and prediction algorithms are not available or were not evaluated, and the functional significance of this variant is currently unknown. Algorithms developed to predict the effect of sequence changes on RNA splicing suggest that this variant may create or strengthen a splice site. In summary, the available evidence is currently insufficient to determine the role of this variant in disease. Therefore, it has been classified as a Variant of Uncertain Significance.